The following is an entry in ClinVar:

ClinVar aggregate classification (germline): Uncertain significance (1 of 4 stars; one submission).

Allele frequency attached by ClinVar (database versions not stated): TOPMed below 0.00001.
gnomAD v4.1: 1 of 1,614,170 alleles (0.000062%); no homozygotes.

Submission:

Quest Diagnostics Nichols Institute San Juan Capistrano
Classification: Uncertain significance. Last evaluated: 2023-11-10. Review status: criteria provided, single submitter. Criteria: Quest Diagnostics criteria. Collection method: clinical testing. Allele origin: unknown.
Comment: The APOB c.4411T>G (p.Leu1471Val) variant has not been reported in individuals with APOB-related conditions in the published literature. It also has not been reported in large, multi-ethnic general populations (Genome Aggregation Database). Analysis of this variant using bioinformatics tools for the prediction of the effect of amino acid changes on protein structure and function yielded predictions that this variant is benign. Based on the available information, we are unable to determine the clinical significance of this variant.

NM_000384.3(APOB):c.4411T>G (p.Leu1471Val)

Gene: APOB (apolipoprotein B; minus strand). Cytogenetic location: 2p24.1.
Variant type: single nucleotide variant.
Coding change: c.4411T>G on transcript NM_000384.3 (MANE Select); coding-DNA position 4411, T replaced by G.
Protein change: p.Leu1471Val; replaces leucine 1471 with valine.
Molecular consequence: missense variant.
Genome position (GRCh38, 1-based): chr2:21,012,457, A>C on the plus strand (T>G on the coding strand, the complement: APOB is on the minus strand). VCF-style: chr2-21012457-A-C. GRCh37 (hg19) VCF-style: chr2-21235329-A-C.
Other names: short protein forms L1471V.
Identifiers: ClinVar variation 3572075 (VCV003572075.1), dbSNP rs542169352.
Genomic context (GRCh38, chr2:21,012,457, plus strand): 5'-TGAACTGCCCATCAATCTTGACTTCTTTGACAAACAAATGCTGTTTCTTTTTGGAGTCCA[A>C]ATGAACTGAAGCAGACATCTGTGGTCCCCAGGAACTAGATGCATCGAATATTAGTAAACC-3'
Protein context (NP_000375.3, residues 1461-1481): WGPQMSASVH[Leu1471Val]DSKKKQHLFV